The following is an entry in ClinVar:

ClinVar aggregate classification (germline): Uncertain significance (1 of 4 stars; one submission).

gnomAD v4.1: 2 of 1,554,664 alleles (0.00013%); highest among the groups gnomAD compares: Non-Finnish European, 0.00017%; no homozygotes.

Submission:

Labcorp Genetics (formerly Invitae), Labcorp
Classification: Uncertain significance. Last evaluated: 2026-01-27. Review status: criteria provided, single submitter. Criteria: Invitae Variant Classification Sherloc (09022015). Collection method: clinical testing. Allele origin: germline.
Comment: This sequence change replaces lysine, which is basic and polar, with asparagine, which is neutral and polar, at codon 35 of the DLL1 protein (p.Lys35Asn). This variant is not present in population databases (gnomAD no frequency). This variant has not been reported in the literature in individuals affected with DLL1-related conditions. An algorithm developed to predict the effect of missense changes on protein structure and function (PolyPhen-2) suggests that this variant is likely to be tolerated. In summary, the available evidence is currently insufficient to determine the role of this variant in disease. Therefore, it has been classified as a Variant of Uncertain Significance.

NM_005618.4(DLL1):c.105G>C (p.Lys35Asn)

Gene: DLL1 (delta like canonical Notch ligand 1; minus strand). Cytogenetic location: 6q27.
Variant type: single nucleotide variant.
Coding change: c.105G>C on transcript NM_005618.4 (MANE Select); coding-DNA position 105, G replaced by C.
Protein change: p.Lys35Asn; replaces lysine 35 with asparagine.
Molecular consequence: missense variant.
Genome position (GRCh38, 1-based): chr6:170,289,758, C>G on the plus strand (G>C on the coding strand, the complement: DLL1 is on the minus strand). VCF-style: chr6-170289758-C-G. GRCh37 (hg19) VCF-style: chr6-170598846-C-G.
Other names: short protein forms K35N.
Identifiers: ClinVar variation 4798456 (VCV004798456.1).